The following is an entry in ClinVar:

NM_001754.5(RUNX1):c.1286T>C (p.Leu429Pro)

Gene: RUNX1 (RUNX family transcription factor 1; minus strand). Cytogenetic location: 21q22.12.
Variant type: single nucleotide variant.
Coding change: c.1286T>C on transcript NM_001754.5 (MANE Select); coding-DNA position 1286, T replaced by C.
Protein change: p.Leu429Pro; replaces leucine 429 with proline.
Molecular consequence: missense variant.
Genome position (GRCh38, 1-based): chr21:34,792,292, A>G on the plus strand (T>C on the coding strand, the complement: RUNX1 is on the minus strand). VCF-style: chr21-34792292-A-G. GRCh37 (hg19) VCF-style: chr21-36164589-A-G.
Other names: NM_001754.5(RUNX1):c.1286T>C; p.Leu429Pro; c.1205T>C, p.Leu402Pro (NM_001001890.3); short protein forms L402P, L429P.
Identifiers: ClinVar variation 2163488 (VCV002163488.7), dbSNP rs2056450952, ClinGen allele CA410147504.

ClinVar aggregate classification (germline): Uncertain significance. Review status: reviewed by expert panel (3 of 4 stars). 3 submissions from 3 submitters: Uncertain significance (1). 2 of the submissions do not count toward it. Last evaluated 2025-01-15.

Conditions:
Hereditary thrombocytopenia and hematologic cancer predisposition syndrome. Identifiers: Orphanet 71290, MedGen CN281654, MONDO:0011071.
Hereditary thrombocytopenia and hematological cancer predisposition syndrome associated with RUNX1. Also called: RUNX1 Familial Platelet Disorder with Associated Myeloid Malignancies; Familial Platelet Disorder with Propensity to Acute Myelogenous Leukemia; Familial thrombocytopenia with propensity to acute myelogenous leukemia; PLATELET DISORDER, ASPIRIN-LIKE. Identifiers: Orphanet 71290, MedGen C1832388, MeSH C563324, MONDO:0100083, OMIM 601399.
Inborn genetic diseases. Identifiers: MedGen C0950123, MeSH D030342.

Submissions (3):

ClinGen Myeloid Malignancy Variant Curation Expert Panel
Classification: Uncertain significance for Hereditary thrombocytopenia and hematologic cancer predisposition syndrome. Last evaluated: 2025-01-15. Review status: reviewed by expert panel. Criteria: ClinGen MyeloMalig ACMG Specifications v2. Collection method: curation. Allele origin: germline. Inheritance: Autosomal dominant inheritance.
Comment: NM_001754.5(RUNX1):c.1286T>C (p.Leu429Pro) is a missense variant which has a REVEL score < 0.50 (0.417) and a SpliceAI score ≤ 0.20 (0.0) (BP4). This variant is completely absent from all population databases with at least 20x coverage for RUNX1 (PM2_Supporting). In summary, the clinical significance of this variant is uncertain. ACMG/AMP criteria applied, as specified by the Myeloid Malignancy Variant Curation Expert Panel for RUNX1: BP4, PM2_supporting.

Ambry Genetics
Classification: Uncertain significance for Inborn genetic diseases. Last evaluated: 2025-04-10. Review status: criteria provided, single submitter. Criteria: Ambry Variant Classification Scheme 2023. Collection method: clinical testing. Allele origin: germline. Not counted in ClinVar's aggregate classification.
Comment: The p.L429P variant (also known as c.1286T>C), located in coding exon 8 of the RUNX1 gene, results from a T to C substitution at nucleotide position 1286. The leucine at codon 429 is replaced by proline, an amino acid with similar properties. This amino acid position is conserved. In addition, this alteration is predicted to be tolerated by in silico analysis. Based on the available evidence, the clinical significance of this variant remains unclear.

Labcorp Genetics (formerly Invitae), Labcorp
Classification: Uncertain significance for Hereditary thrombocytopenia and hematological cancer predisposition syndrome associated with RUNX1. Last evaluated: 2023-11-14. Review status: criteria provided, single submitter. Criteria: Invitae Variant Classification Sherloc (09022015). Collection method: clinical testing. Allele origin: germline. Not counted in ClinVar's aggregate classification.
Comment: This sequence change replaces leucine, which is neutral and non-polar, with proline, which is neutral and non-polar, at codon 429 of the RUNX1 protein (p.Leu429Pro). This variant is not present in population databases (gnomAD no frequency). This variant has not been reported in the literature in individuals affected with RUNX1-related conditions. ClinVar contains an entry for this variant (Variation ID: 2163488). Advanced modeling of protein sequence and biophysical properties (such as structural, functional, and spatial information, amino acid conservation, physicochemical variation, residue mobility, and thermodynamic stability) performed at Invitae indicates that this missense variant is not expected to disrupt RUNX1 protein function with a negative predictive value of 80%. In summary, the available evidence is currently insufficient to determine the role of this variant in disease. Therefore, it has been classified as a Variant of Uncertain Significance.